The following is an entry in ClinVar:

ClinVar aggregate classification (germline): Uncertain significance (1 of 4 stars; one submission).

Conditions:
Cardiovascular phenotype. Identifiers: MedGen CN230736.

Allele frequency attached by ClinVar (database versions not stated): gnomAD exomes below 0.00001.
gnomAD v4.1: 4 of 1,535,856 alleles (0.00026%); highest among the groups gnomAD compares: Non-Finnish European, 0.00035%; no homozygotes.

Submission:

Ambry Genetics
Classification: Uncertain significance for Cardiovascular phenotype. Last evaluated: 2021-10-12. Review status: criteria provided, single submitter. Criteria: Ambry Variant Classification Scheme 2023. Collection method: clinical testing. Allele origin: germline.
Comment: The p.Q67R variant (also known as c.200A>G), located in coding exon 1 of the ZNF469 gene, results from an A to G substitution at nucleotide position 200. The glutamine at codon 67 is replaced by arginine, an amino acid with highly similar properties. This amino acid position is conserved. In addition, this alteration is predicted to be tolerated by in silico analysis. Since supporting evidence is limited at this time, the clinical significance of this alteration remains unclear.

NM_001367624.2(ZNF469):c.200A>G (p.Gln67Arg)

Gene: ZNF469 (zinc finger protein 469; plus strand). Cytogenetic location: 16q24.2.
Variant type: single nucleotide variant.
Coding change: c.200A>G on transcript NM_001367624.2 (MANE Select); coding-DNA position 200, A replaced by G.
Protein change: p.Gln67Arg; replaces glutamine 67 with arginine.
Molecular consequence: missense variant.
Genome position (GRCh38, 1-based): chr16:88,427,670, A>G. VCF-style: chr16-88427670-A-G. GRCh37 (hg19) VCF-style: chr16-88494078-A-G.
Other names: NM_001127464.1:c.200A>G; short protein forms Q67R.
Identifiers: ClinVar variation 1784375 (VCV001784375.2), dbSNP rs2507570498, ClinGen allele CA397058625.
Genomic context (GRCh38, chr16:88,427,670, plus strand): 5'-GTGCCAGGGAGGCTGGCGGCCAGGCCCAGGCCATGGAGCTCCCCGAGGCCCAGCCAAGGC[A>G]GGCCAGGGACGGGGAGCTCAAGCCCCCATCCCTGAGAGGCCAGGCCCCGAGCAGCACCCC-3'
Protein context (NP_001354553.1, residues 57-77): AMELPEAQPR[Gln67Arg]ARDGELKPPS